The following is an entry in ClinVar:

NM_001042492.3(NF1):c.2356C>T (p.Gln786Ter)

Gene: NF1 (neurofibromin 1; plus strand). Cytogenetic location: 17q11.2.
Variant type: single nucleotide variant.
Coding change: c.2356C>T on transcript NM_001042492.3 (MANE Select); coding-DNA position 2356, C replaced by T.
Protein change: p.Gln786Ter; replaces glutamine 786 with a stop codon.
Molecular consequence: nonsense.
Genome position (GRCh38, 1-based): chr17:31,227,553, C>T. VCF-style: chr17-31227553-C-T. GRCh37 (hg19) VCF-style: chr17-29554571-C-T.
Other names: c.2356C>T, p.Gln786Ter (NM_000267.4); short protein forms Q786*.
Identifiers: ClinVar variation 547610 (VCV000547610.12), dbSNP rs1555613999, ClinGen allele CA398983125.

ClinVar aggregate classification (germline): Pathogenic. Review status: criteria provided, multiple submitters, no conflicts (2 of 4 stars). 8 submissions from 8 submitters: Pathogenic (8). Last evaluated 2025-07-01.

Conditions:
Neurofibromatosis, type 1 (NF1). Also called: VON RECKLINGHAUSEN DISEASE; Peripheral type neurofibromatosis; Neurofibromatosis, type I; NEUROFIBROMATOSIS, TYPE I, SOMATIC. Identifiers: Orphanet 636, MedGen C0027831, MONDO:0018975, OMIM 162200. Disease mechanism: loss of function.
NF1-related disorder. Also called: NF1-related condition. Identifiers: MedGen CN379171.
Hereditary cancer-predisposing syndrome. Also called: Neoplastic Syndromes, Hereditary; Tumor predisposition; Hereditary Cancer Syndrome; Hereditary neoplastic syndrome. Identifiers: Orphanet 140162, MedGen C0027672, MeSH D009386, MONDO:0015356.
Cardiovascular phenotype. Identifiers: MedGen CN230736.

Submissions (8):

NHS Central & South Genomic Laboratory Hub
Classification: Pathogenic for Neurofibromatosis type 1. Last evaluated: 2025-07-01. Review status: criteria provided, single submitter. Criteria: ACMG Guidelines, 2015. Collection method: clinical testing. Allele origin: germline. Affected: yes.

Labcorp Genetics (formerly Invitae), Labcorp
Classification: Pathogenic for Neurofibromatosis, type 1. Last evaluated: 2025-05-14. Review status: criteria provided, single submitter. Criteria: Invitae Variant Classification Sherloc (09022015). Collection method: clinical testing. Allele origin: germline.
Comment: This sequence change creates a premature translational stop signal (p.Gln786*) in the NF1 gene. It is expected to result in an absent or disrupted protein product. Loss-of-function variants in NF1 are known to be pathogenic (PMID: 10712197, 23913538). This variant is not present in population databases (gnomAD no frequency). This premature translational stop signal has been observed in individual(s) with neurofibromatosis type 1 (PMID: 10712197, 31776437). Invitae Evidence Modeling of clinical and family history, age, sex, and reported ancestry of multiple individuals with this NF1 variant has been performed. This variant is expected to be pathogenic with a positive predictive value of at least 99%. This is a validated machine learning model that incorporates the clinical features of 1,785,918 individuals referred to our laboratory for NF1 testing. ClinVar contains an entry for this variant (Variation ID: 547610). For these reasons, this variant has been classified as Pathogenic.

Ambry Genetics
Classification: Pathogenic for Cardiovascular phenotype; Hereditary cancer-predisposing syndrome. Last evaluated: 2025-05-07. Review status: criteria provided, single submitter. Criteria: Ambry Variant Classification Scheme 2023. Collection method: clinical testing. Allele origin: germline.
Comment: The p.Q786* pathogenic mutation (also known as c.2356C>T), located in coding exon 20 of the NF1 gene, results from a C to T substitution at nucleotide position 2356. This changes the amino acid from a glutamine to a stop codon within coding exon 20. This variant was reported in individual(s) with features consistent with neurofibromatosis type 1 (NF1) (Fahsold R et al. Am J Hum Genet, 2000 Mar;66:790-818; Kang E et al. J Hum Genet, 2020 Jan;65:79-89). This variant is considered to be rare based on population cohorts in the Genome Aggregation Database (gnomAD). In addition to the clinical data presented in the literature, this alteration is expected to result in loss of function by premature protein truncation or nonsense-mediated mRNA decay. As such, this alteration is interpreted as a disease-causing mutation.

GeneDx
Classification: Pathogenic. Last evaluated: 2025-04-14. Review status: criteria provided, single submitter. Criteria: GeneDx Variant Classification Process June 2021. Collection method: clinical testing. Allele origin: germline. Affected: yes.
Comment: Nonsense variant predicted to result in protein truncation or nonsense mediated decay in a gene for which loss of function is a known mechanism of disease; Not observed at significant frequency in large population cohorts (gnomAD); This variant is associated with the following publications: (PMID: 25525159, 10712197, 31776437, 36625546)

Blueprint Genetics
Classification: Pathogenic for NF1-related disorders. Last evaluated: 2023-09-08. Review status: criteria provided, single submitter. Criteria: ACMG Guidelines, 2015. Collection method: clinical testing. Allele origin: germline. Affected: yes. Observed: 2 variant alleles.

Genome-Nilou Lab
Classification: Pathogenic for Neurofibromatosis, type 1. Last evaluated: 2022-03-15. Review status: criteria provided, single submitter. Criteria: ACMG Guidelines, 2015. Collection method: clinical testing. Allele origin: germline. Affected: no.

Center for Human Genetics, Inc
Classification: Pathogenic for Neurofibromatosis, type 1. Last evaluated: 2016-11-01. Review status: criteria provided, single submitter. Criteria: ACMG Guidelines, 2015. Collection method: clinical testing. Allele origin: germline. Affected: yes.

Juno Genomics, Hangzhou Juno Genomics, Inc
Classification: Pathogenic for Neurofibromatosis, type 1. Review status: criteria provided, single submitter. Criteria: ACMG Guidelines, 2015. Collection method: clinical testing. Allele origin: germline. Affected: yes.
Comment: Absent from controls (or at extremely low frequency if recessive) in Genome Aggregation Database, Exome Sequencing Project, 1000 Genomes Project, or Exome Aggregation Consortium.;Null variant in a gene where loss of function (LOF) is a known mechanism of disease.;The prevalence of the variant in affected individuals is significantly increased compared to the prevalence in controls.;Patient's phenotype or family history is highly specific for a disease with a single genetic etiology.

Literature cited by the submitters: PubMed 10712197 (cited by Labcorp Genetics (formerly Invitae), Labcorp and Ambry Genetics); PubMed 23913538 (cited by Labcorp Genetics (formerly Invitae), Labcorp); PubMed 31776437 (cited by Labcorp Genetics (formerly Invitae), Labcorp and Ambry Genetics).